The following is an entry in ClinVar:

NM_001206744.2(TPO):c.1768+1G>A

Genes: LALTOP (lung cancer associated lncRNA targeting TOP2A; minus strand), TPO (thyroid peroxidase; plus strand). Cytogenetic location: 2p25.3.
Variant type: single nucleotide variant.
Coding change: c.1768+1G>A on transcript NM_001206744.2 (MANE Select); the canonical splice donor site of the intron after coding-DNA position 1768, G replaced by A.
Molecular consequence: splice donor variant. On other transcripts: intron variant (2).
Genome position (GRCh38, 1-based): chr2:1,487,992, G>A. VCF-style: chr2-1487992-G-A. GRCh37 (hg19) VCF-style: chr2-1491764-G-A.
Other names: c.1768+1G>A (NM_000547.6, NM_175721.3); c.1597+3138G>A (NM_175719.4, NM_001206745.2); c.1249+1G>A (NM_175722.3).
Identifiers: ClinVar variation 2576884 (VCV002576884.4), dbSNP rs1450683528, ClinGen allele CA345696008.

ClinVar aggregate classification (germline): Pathogenic/Likely pathogenic. Review status: criteria provided, multiple submitters, no conflicts (2 of 4 stars). 2 submissions from 2 submitters: Pathogenic (1); Likely pathogenic (1). Last evaluated 2023-11-20.

Allele frequency attached by ClinVar (database versions not stated): gnomAD exomes 0.00002; gnomAD 0.00003; TOPMed 0.00003.
gnomAD v4.1: 37 of 1,612,624 alleles (0.0023%); highest among the groups gnomAD compares: Non-Finnish European, 0.0031%; no homozygotes.

Submissions (2):

Labcorp Genetics (formerly Invitae), Labcorp
Classification: Likely pathogenic. Last evaluated: 2023-11-20. Review status: criteria provided, single submitter. Criteria: Invitae Variant Classification Sherloc (09022015). Collection method: clinical testing. Allele origin: germline.
Comment: This sequence change affects a donor splice site in intron 10 of the TPO gene. It is expected to disrupt RNA splicing. Variants that disrupt the donor or acceptor splice site typically lead to a loss of protein function (PMID: 16199547), and loss-of-function variants in TPO are known to be pathogenic (PMID: 11061528, 23236987, 25564141). This variant is present in population databases (no rsID available, gnomAD 0.002%). Disruption of this splice site has been observed in individual(s) with congenital hypothyroidism (PMID: 11061528). ClinVar contains an entry for this variant (Variation ID: 2576884). Algorithms developed to predict the effect of sequence changes on RNA splicing suggest that this variant may disrupt the consensus splice site. In summary, the currently available evidence indicates that the variant is pathogenic, but additional data are needed to prove that conclusively. Therefore, this variant has been classified as Likely Pathogenic.

GeneDx
Classification: Pathogenic. Last evaluated: 2023-02-16. Review status: criteria provided, single submitter. Criteria: GeneDx Variant Classification Process June 2021. Collection method: clinical testing. Allele origin: germline. Affected: yes.
Comment: Canonical splice site variant expected to result in aberrant splicing, although in the absence of functional evidence the actual effect of this sequence change is unknown.; This variant is associated with the following publications: (PMID: 25525159, 11061528, 34200080)

Literature cited by the submitters: PubMed 16199547 (cited by Labcorp Genetics (formerly Invitae), Labcorp); PubMed 11061528 (cited by Labcorp Genetics (formerly Invitae), Labcorp); PubMed 23236987 (cited by Labcorp Genetics (formerly Invitae), Labcorp); PubMed 25564141 (cited by Labcorp Genetics (formerly Invitae), Labcorp).